The following is an entry in ClinVar:

ClinVar aggregate classification (germline): Uncertain significance (1 of 4 stars; one submission).

Allele frequency attached by ClinVar (database versions not stated): gnomAD exomes below 0.00001.
gnomAD v4.1: 1 of 1,614,238 alleles (0.000062%); highest among the groups gnomAD compares: Non-Finnish European, 0.000085%; no homozygotes.

Submission:

Labcorp Genetics (formerly Invitae), Labcorp
Classification: Uncertain significance. Last evaluated: 2022-02-08. Review status: criteria provided, single submitter. Criteria: Invitae Variant Classification Sherloc (09022015). Collection method: clinical testing. Allele origin: germline.
Comment: In summary, the available evidence is currently insufficient to determine the role of this variant in disease. Therefore, it has been classified as a Variant of Uncertain Significance. Algorithms developed to predict the effect of missense changes on protein structure and function (SIFT, PolyPhen-2, Align-GVGD) all suggest that this variant is likely to be tolerated. This variant has not been reported in the literature in individuals affected with POLR3A-related conditions. This variant is not present in population databases (gnomAD no frequency). This sequence change replaces threonine, which is neutral and polar, with lysine, which is basic and polar, at codon 253 of the POLR3A protein (p.Thr253Lys).

NM_007055.4(POLR3A):c.758C>A (p.Thr253Lys)

Gene: POLR3A (RNA polymerase III subunit A; minus strand). Cytogenetic location: 10q22.3.
Variant type: single nucleotide variant.
Coding change: c.758C>A on transcript NM_007055.4 (MANE Select); coding-DNA position 758, C replaced by A.
Protein change: p.Thr253Lys; replaces threonine 253 with lysine.
Molecular consequence: missense variant.
Genome position (GRCh38, 1-based): chr10:78,022,272, G>T on the plus strand (C>A on the coding strand, the complement: POLR3A is on the minus strand). VCF-style: chr10-78022272-G-T. GRCh37 (hg19) VCF-style: chr10-79782030-G-T.
Other names: short protein forms T253K.
Identifiers: ClinVar variation 1390044 (VCV001390044.8), dbSNP rs1444335027, ClinGen allele CA377345306.
Genomic context (GRCh38, chr10:78,022,272, plus strand): 5'-CCAGACTTCAAATCACTCACAACGGAGGGTCTGATACACAAAGGAGGCACCAAAAGTCGT[G>T]TGAGAATCAAATCAGACGGCTTTCCGGCTTCTGGGTTCATCAGAAGTAGAGGAACATCTT-3'
Protein context (NP_008986.2, residues 243-263): EAGKPSDLIL[Thr253Lys]RLLVPPLCIR